The following is an entry in ClinVar:

ClinVar aggregate classification (germline): Uncertain significance (1 of 4 stars; one submission).

Conditions:
Hereditary hyperferritinemia with congenital cataracts. Also called: Hereditary hyperferritinemia cataract syndrome; Bonneau-Beaumont syndrome; HYPERFERRITINEMIA WITH OR WITHOUT CATARACT. Identifiers: Orphanet 163, MedGen C1833213, MONDO:0010952, OMIM 600886.
Neuroferritinopathy (NBIA3). Also called: NEURODEGENERATION WITH BRAIN IRON ACCUMULATION 3; BASAL GANGLIA DISEASE, ADULT-ONSET. Identifiers: Orphanet 157846, MedGen C1853578, MONDO:0011638, OMIM 606159.

Submission:

Labcorp Genetics (formerly Invitae), Labcorp
Classification: Uncertain significance for Neuroferritinopathy; Hereditary hyperferritinemia with congenital cataracts. Last evaluated: 2019-02-04. Review status: criteria provided, single submitter. Criteria: Invitae Variant Classification Sherloc (09022015). Collection method: clinical testing. Allele origin: germline.
Comment: In summary, the available evidence is currently insufficient to determine the role of this variant in disease. Therefore, it has been classified as a Variant of Uncertain Significance. A similar deletion of exons 3-4 has been reported in an individual affected with¬†abnormality of metabolism/homeostasis¬†(PMID: 26633542). This variant is a gross deletion of the genomic region encompassing exons 3-4 of the FTL gene. The 5' boundary is likely confined to intron 2 . The 3' end of this event is unknown as it extends through the termination codon beyond the assayed region for this gene and may encompass additional genes. While this deletion is not anticipated to result in nonsense mediated decay, it is expected to create a truncated protein product or disrupt mRNA translation.

Literature cited by the submitters: PubMed 26633542.

NC_000019.10:g.(?_48966261)_(48966755_?)del

Gene: FTL (ferritin light chain; plus strand). Cytogenetic location: 19q13.33.
Variant type: Deletion.
Identifiers: ClinVar variation 659582 (VCV000659582.9).